The following is an entry in ClinVar:

NM_001037333.3(CYFIP2):c.497A>G (p.Asn166Ser)

Gene: CYFIP2 (cytoplasmic FMR1 interacting protein 2; plus strand). Cytogenetic location: 5q33.3.
Variant type: single nucleotide variant.
Coding change: c.497A>G on transcript NM_001037333.3 (MANE Select); coding-DNA position 497, A replaced by G.
Protein change: p.Asn166Ser; replaces asparagine 166 with serine.
Molecular consequence: missense variant.
Genome position (GRCh38, 1-based): chr5:157,300,824, A>G. VCF-style: chr5-157300824-A-G. GRCh37 (hg19) VCF-style: chr5-156727832-A-G.
Other names: c.419A>G, p.Asn140Ser (NM_001291721.2); c.497A>G, p.Asn166Ser (NM_001291722.2, NM_014376.4); short protein forms N140S, N166S.
Identifiers: ClinVar variation 1511190 (VCV001511190.8), dbSNP rs369872275, ClinGen allele CA3533370.

ClinVar aggregate classification (germline): Uncertain significance (1 of 4 stars; one submission).

Allele frequency attached by ClinVar (database versions not stated): gnomAD exomes below 0.00001; ExAC 0.00001; TOPMed 0.00001; ESP Exome Variant Server 0.00008.
gnomAD v4.1: 1 of 1,613,240 alleles (0.000062%); highest among the groups gnomAD compares: Non-Finnish European, 0.000085%; no homozygotes.

Submission:

Labcorp Genetics (formerly Invitae), Labcorp
Classification: Uncertain significance. Last evaluated: 2024-08-05. Review status: criteria provided, single submitter. Criteria: Invitae Variant Classification Sherloc (09022015). Collection method: clinical testing. Allele origin: germline.
Comment: This sequence change replaces asparagine, which is neutral and polar, with serine, which is neutral and polar, at codon 166 of the CYFIP2 protein (p.Asn166Ser). This variant is present in population databases (rs369872275, gnomAD 0.007%). This variant has not been reported in the literature in individuals affected with CYFIP2-related conditions. ClinVar contains an entry for this variant (Variation ID: 1511190). Experimental studies and prediction algorithms are not available or were not evaluated, and the functional significance of this variant is currently unknown. In summary, the available evidence is currently insufficient to determine the role of this variant in disease. Therefore, it has been classified as a Variant of Uncertain Significance.